The following is an entry in ClinVar:

NM_019108.4(SMG9):c.196A>G (p.Ile66Val)

Gene: SMG9 (SMG9 nonsense mediated mRNA decay factor; minus strand). Cytogenetic location: 19q13.31.
Variant type: single nucleotide variant.
Coding change: c.196A>G on transcript NM_019108.4 (MANE Select); coding-DNA position 196, A replaced by G.
Protein change: p.Ile66Val; replaces isoleucine 66 with valine.
Molecular consequence: missense variant.
Genome position (GRCh38, 1-based): chr19:43,748,007, T>C on the plus strand (A>G on the coding strand, the complement: SMG9 is on the minus strand). VCF-style: chr19-43748007-T-C. GRCh37 (hg19) VCF-style: chr19-44252159-T-C.
Other names: short protein forms I66V.
Identifiers: ClinVar variation 2455016 (VCV002455016.4), dbSNP rs200972716, ClinGen allele CA9491590.

ClinVar aggregate classification (germline): Uncertain significance. Review status: criteria provided, multiple submitters, no conflicts (2 of 4 stars). 2 submissions from 2 submitters: Uncertain significance (2). Last evaluated 2025-02-27.

Conditions:
Inborn genetic diseases. Identifiers: MedGen C0950123, MeSH D030342.

Allele frequency attached by ClinVar (database versions not stated): ExAC 0.00013; ESP Exome Variant Server 0.00015; TOPMed 0.00015; gnomAD exomes 0.00017; gnomAD 0.00018.

Submissions (2):

Ambry Genetics
Classification: Uncertain significance for Inborn genetic diseases. Last evaluated: 2025-02-27. Review status: criteria provided, single submitter. Criteria: Ambry Variant Classification Scheme 2023. Collection method: clinical testing. Allele origin: germline.

Women's Health and Genetics/Laboratory Corporation of America, LabCorp
Classification: Uncertain significance. Last evaluated: 2024-05-16. Review status: criteria provided, single submitter. Criteria: LabCorp Variant Classification Summary - May 2015. Collection method: clinical testing. Allele origin: germline.
Comment: Variant summary: SMG9 c.196A>G (p.Ile66Val) results in a conservative amino acid change in the encoded protein sequence. Four of five in-silico tools predict a benign effect of the variant on protein function. The variant allele was found at a frequency of 0.00012 in 250834 control chromosomes. This frequency is not significantly higher than estimated for a pathogenic variant in SMG9 causing Neurodevelopmental Disorder With Intention Tremor, Pyramidal Signs, Dyspraxia, And Ocular Anomalies (0.00012 vs ND), allowing no conclusion about variant significance. To our knowledge, no occurrence of c.196A>G in individuals affected with Neurodevelopmental Disorder With Intention Tremor, Pyramidal Signs, Dyspraxia, And Ocular Anomalies and no experimental evidence demonstrating its impact on protein function have been reported. ClinVar contains an entry for this variant (Variation ID: 2455016). Based on the evidence outlined above, the variant was classified as uncertain significance.